The following is an entry in ClinVar:

NM_005188.4(CBL):c.2389A>G (p.Ser797Gly)

Gene: CBL (Cbl proto-oncogene; plus strand). Cytogenetic location: 11q23.3.
Variant type: single nucleotide variant.
Coding change: c.2389A>G on transcript NM_005188.4 (MANE Select); coding-DNA position 2389, A replaced by G.
Protein change: p.Ser797Gly; replaces serine 797 with glycine.
Molecular consequence: missense variant.
Genome position (GRCh38, 1-based): chr11:119,298,495, A>G. VCF-style: chr11-119298495-A-G. GRCh37 (hg19) VCF-style: chr11-119169205-A-G.
Other names: short protein forms S797G.
Identifiers: ClinVar variation 2905551 (VCV002905551.4), dbSNP rs138151048, ClinGen allele CA6318765.
Genomic context (GRCh38, chr11:119,298,495, plus strand): 5'-CCAAAGCCACCTGTGCCGGCCGTGCTGGCCCGCCGAACTCTCTCAGATATCTCTAATGCC[A>G]GCTCCTCCTTTGGCTGGTTGTCTCTGGATGGTGATCCTACAACAAGTGAGTCTCCAGACT-3'
Protein context (NP_005179.2, residues 787-807): RRTLSDISNA[Ser797Gly]SSFGWLSLDG

ClinVar aggregate classification (germline): Uncertain significance. Review status: criteria provided, multiple submitters, no conflicts (2 of 4 stars). 2 submissions from 2 submitters: Uncertain significance (2). Last evaluated 2024-05-29.

Conditions:
RASopathy. Also called: rasopathies; Noonan spectrum disorder. Identifiers: Orphanet 536391, MedGen C5555857, MONDO:0021060.

gnomAD v4.1: 6 of 1,614,202 alleles (0.00037%); highest among the groups gnomAD compares: South Asian, 0.0066%; no homozygotes.

Submissions (2):

Labcorp Genetics (formerly Invitae), Labcorp
Classification: Uncertain significance for RASopathy. Last evaluated: 2024-05-29. Review status: criteria provided, single submitter. Criteria: Invitae Variant Classification Sherloc (09022015). Collection method: clinical testing. Allele origin: germline.
Comment: This sequence change replaces serine, which is neutral and polar, with glycine, which is neutral and non-polar, at codon 797 of the CBL protein (p.Ser797Gly). This variant is present in population databases (rs138151048, gnomAD 0.01%). This variant has not been reported in the literature in individuals affected with CBL-related conditions. Advanced modeling of protein sequence and biophysical properties (such as structural, functional, and spatial information, amino acid conservation, physicochemical variation, residue mobility, and thermodynamic stability) performed at Invitae indicates that this missense variant is not expected to disrupt CBL protein function with a negative predictive value of 95%. In summary, the available evidence is currently insufficient to determine the role of this variant in disease. Therefore, it has been classified as a Variant of Uncertain Significance.

Blueprint Genetics
Classification: Uncertain significance. Last evaluated: 2023-03-23. Review status: criteria provided, single submitter. Criteria: ACMG Guidelines, 2015. Collection method: clinical testing. Allele origin: germline.